The following is an entry in ClinVar:

NM_182961.4(SYNE1):c.12122G>A (p.Arg4041Gln)

Gene: SYNE1 (spectrin repeat containing nuclear envelope protein 1; minus strand). Cytogenetic location: 6q25.2.
Variant type: single nucleotide variant.
Coding change: c.12122G>A on transcript NM_182961.4 (MANE Select); coding-DNA position 12122, G replaced by A.
Protein change: p.Arg4041Gln; replaces arginine 4041 with glutamine.
Molecular consequence: missense variant.
Genome position (GRCh38, 1-based): chr6:152,344,184, C>T on the plus strand (G>A on the coding strand, the complement: SYNE1 is on the minus strand). VCF-style: chr6-152344184-C-T. GRCh37 (hg19) VCF-style: chr6-152665319-C-T.
Other names: c.11909G>A, p.Arg3970Gln (NM_033071.5); c.12122G>A (NM_182961.2); short protein forms R3970Q, R4041Q.
Identifiers: ClinVar variation 497827 (VCV000497827.14), dbSNP rs771461121, ClinGen allele CA4056500.
Genomic context (GRCh38, chr6:152,344,184, plus strand): 5'-GGCTCTAAATCCGGCTGGACTGCAGAAAGCCAGGCCTGGCACTGCTGCAGGGTGTCTTGT[C>T]GGCTGACGTGCTTCTGAAGTTCGTGTTCCAAACTCTGGTACATCTGAGACAATACAATCA-3'
Protein context (NP_892006.3, residues 4031-4051): LEHELQKHVS[Arg4041Gln]QDTLQQCQAW

ClinVar aggregate classification (germline): Uncertain significance. Review status: criteria provided, multiple submitters, no conflicts (2 of 4 stars). 3 submissions from 3 submitters: Uncertain significance (3). Last evaluated 2025-05-30.

Conditions:
Emery-Dreifuss muscular dystrophy 4, autosomal dominant (EDMD4). Also called: EMERY-DREIFUSS MUSCULAR DYSTROPHY 4 WITH VARIABLE FEATURES. Identifiers: Orphanet 261, MedGen C2751807, MONDO:0013071, OMIM 612998.
Autosomal recessive ataxia, Beauce type. Also called: SYNE1-Related Autosomal Recessive Cerebellar Ataxia; Spinocerebellar ataxia, autosomal recessive 8; ATAXIA, RECESSIVE, OF BEAUCE; SYNE1 Deficiency. Identifiers: Orphanet 88644, MedGen C1853116, MONDO:0012549, OMIM 610743.

Allele frequency attached by ClinVar (database versions not stated): gnomAD 0.00003 and 0.00004; gnomAD exomes 0.00005 and 0.00007; TOPMed 0.00005; ExAC 0.00006.
gnomAD v4.1: 112 of 1,614,046 alleles (0.0069%); highest among the groups gnomAD compares: Non-Finnish European, 0.0085%; no homozygotes.

Submissions (3):

Athena Diagnostics
Classification: Uncertain significance. Last evaluated: 2025-05-30. Review status: criteria provided, single submitter. Criteria: Athena Diagnostics Criteria. Collection method: clinical testing. Allele origin: unknown.
Comment: Available data are insufficient to determine the clinical significance of the variant at this time. The frequency of this variant in the general population is uninformative in assessment of its pathogenicity. Polyphen and MutationTaster predict this amino acid change may be benign.

Labcorp Genetics (formerly Invitae), Labcorp
Classification: Uncertain significance for Emery-Dreifuss muscular dystrophy 4, autosomal dominant; Autosomal recessive ataxia, Beauce type. Last evaluated: 2022-06-14. Review status: criteria provided, single submitter. Criteria: Invitae Variant Classification Sherloc (09022015). Collection method: clinical testing. Allele origin: germline.
Comment: This sequence change replaces arginine, which is basic and polar, with glutamine, which is neutral and polar, at codon 3970 of the SYNE1 protein (p.Arg3970Gln). In summary, the available evidence is currently insufficient to determine the role of this variant in disease. Therefore, it has been classified as a Variant of Uncertain Significance. Algorithms developed to predict the effect of missense changes on protein structure and function are either unavailable or do not agree on the potential impact of this missense change (SIFT: "Tolerated"; PolyPhen-2: "Possibly Damaging"; Align-GVGD: "Class C0"). ClinVar contains an entry for this variant (Variation ID: 497827). This variant has not been reported in the literature in individuals affected with SYNE1-related conditions. This variant is present in population databases (rs771461121, gnomAD 0.007%).

Eurofins Ntd Llc (ga)
Classification: Uncertain significance. Last evaluated: 2016-10-25. Review status: criteria provided, single submitter. Criteria: EGL Classification Definitions 2015. Collection method: clinical testing. Allele origin: germline. Observed: 3 variant alleles, 3 heterozygotes.

Literature cited by the submitters: PubMed 33652732 (cited by Athena Diagnostics).